The following is an entry in ClinVar:

NM_000275.3(OCA2):c.1248dup (p.Leu417fs)

Gene: OCA2 (OCA2 melanosomal transmembrane protein; minus strand). Cytogenetic location: 15q13.1.
Variant type: Duplication.
Coding change: c.1248dup on transcript NM_000275.3 (MANE Select); coding-DNA position 1248, one base duplicated (G; older notation c.1248dupG).
Protein change: p.Leu417fs; shifts the reading frame from leucine 417.
Molecular consequence: frameshift variant.
Genome position (GRCh38, 1-based): chr15:27,985,180, C duplicated on the plus strand (G on the coding strand, the reverse complement: OCA2 is on the minus strand); the first of 2 consecutive C bases (chr15:27,985,180-27,985,181); duplicating either gives the same sequence. VCF-style (leftmost placement, unchanged base first): chr15-27985179-G-GC. GRCh37 (hg19) VCF-style: chr15-28230325-G-GC.
Other names: c.1176dup, p.Leu393fs (NM_001300984.2); short protein forms L393fs, L417fs.
Identifiers: ClinVar variation 1805918 (VCV001805918.5), dbSNP rs2548345817, ClinGen allele CA2573320533.

ClinVar aggregate classification (germline): Pathogenic/Likely pathogenic. Review status: criteria provided, multiple submitters, no conflicts (2 of 4 stars). 3 submissions from 3 submitters: Pathogenic (2); Likely pathogenic (1). Last evaluated 2025-05-17.

Conditions:
Tyrosinase-positive oculocutaneous albinism (OCA2). Also called: Albinism, oculocutaneous, type II; ALBINISM II; Oculocutaneous albinism type 2. Identifiers: Orphanet 79432, MedGen C0268495, MONDO:0008746, OMIM 203200.
SKIN/HAIR/EYE PIGMENTATION 1, BLUE/NONBLUE EYES (SHEP1). Also called: BROWN EYE COLOR 2; EYE COLOR 3; EYE COLOR, BLUE/NONBLUE; EYE COLOR, BROWN/BLUE; HAIR COLOR 3; SKIN/HAIR/EYE PIGMENTATION 1, BLOND/BROWN HAIR. Identifiers: MedGen C1856895, OMIM 227220.

Submissions (3):

Myriad Genetics, Inc.
Classification: Pathogenic for Tyrosinase-positive oculocutaneous albinism. Last evaluated: 2025-05-17. Review status: criteria provided, single submitter. Criteria: Myriad Autosomal Dominant, Autosomal Recessive and X-Linked Classification Criteria (2023). Collection method: clinical testing. Allele origin: unknown.
Comment: NM_000275.2(OCA2):c.1248dupG(L417Afs*42) is expected to be pathogenic in the context of oculocutaneous albinism, OCA2-related. This variant is predicted to lead to an abnormal or absent protein product due to the creation of a premature termination codon in OCA2, a gene where loss-of-function variants are known to be pathogenic. Please note: this variant was assessed in the context of healthy population screening.

Victorian Clinical Genetics Services, Murdoch Childrens Research Institute
Classification: Pathogenic for Tyrosinase-positive oculocutaneous albinism. Last evaluated: 2024-11-14. Review status: criteria provided, single submitter. Criteria: ACMG Guidelines, 2015. Collection method: clinical testing. Allele origin: germline. Affected: yes.
Comment: This variant is classified as Pathogenic. Evidence in support of pathogenic classification: Variant is predicted to cause nonsense-mediated decay (NMD) and loss of protein (premature termination codon is located at least 54 nucleotides upstream of the final exon-exon junction); Variant is absent from gnomAD (both v2 and v3); Other NMD-predicted variants comparable to the one identified in this case have very strong previous evidence for pathogenicity (DECIPHER); Strong phenotype match for this individual. Additional information: This variant is heterozygous; This gene is associated with autosomal recessive disease; This variant has no previous evidence of pathogenicity; No published segregation evidence has been identified for this variant; No published functional evidence has been identified for this variant; Loss of function is a known mechanism of disease in this gene and is associated with oculocutaneous albinism, type II (MIM#203200); Variants in this gene are known to have variable expressivity (PMID: 24518832, OMIM); Inheritance information for this variant is not currently available in this individual.

Baylor Genetics
Classification: Likely pathogenic for SKIN/HAIR/EYE PIGMENTATION 1, BLUE/NONBLUE EYES. Last evaluated: 2024-01-18. Review status: criteria provided, single submitter. Criteria: ACMG Guidelines, 2015. Collection method: clinical testing. Allele origin: unknown.

Literature cited by the submitters: PubMed 24518832 (cited by Victorian Clinical Genetics Services, Murdoch Childrens Research Institute).